The following is an entry in ClinVar:

NC_000023.10:g.(32717411_32827609)_(32827729_32834584)dup

Gene: DMD (dystrophin; minus strand). Cytogenetic location: Xp21.1.
Variant type: Duplication.
Identifiers: ClinVar variation 2682185 (VCV002682185.1).

ClinVar aggregate classification (germline): Pathogenic (1 of 4 stars; one submission).

Conditions:
Neuromuscular disease caused by qualitative or quantitative defects of dystrophin. Also called: Qualitative or quantitative defects of dystrophin. Identifiers: Orphanet 207085, MedGen C5679787, MONDO:0016147.

Submission:

Women's Health and Genetics/Laboratory Corporation of America, LabCorp
Classification: Pathogenic for Neuromuscular disease caused by qualitative or quantitative defects of dystrophin. Last evaluated: 2023-11-20. Review status: criteria provided, single submitter. Criteria: LabCorp Variant Classification Summary - May 2015. Collection method: clinical testing. Allele origin: germline.
Comment: Variant summary: The variant involves the duplication of exon 7 in the DMD gene. A presumed nomenclature of c.(530+1_531-1)_(649+1_650-1)dup has been designated for the purposes of this classification. It is assumed to be a tandem duplication in direct orientation (Richardson_GIM_2018, Newman_AJHG_2015). This Copy Number Variant (CNV) is expected to alter the reading frame and predicted to result in a truncation (p.Asp217Glyfs*31 in DOVE database) or absence of the encoded protein due to nonsense mediated decay (NMD). The variant was absent in 16005 control chromosomes (gnomAD, Structural Variants dataset). c.(530+1_531-1)_(649+1_650-1)dup has been reported in the literature in multiple individuals affected with Duchenne and Becker muscular dystrophies (White_2006, Li_2015, Triana-Fonseca_2021, Zinina_2022). These data indicate that the variant is very likely to be associated with disease. To our knowledge, no experimental evidence demonstrating an impact on protein function has been reported. The following publications have been ascertained in the context of this evaluation (PMID: 16917894, 34629887, 36361501, 25612904). No submitters have cited clinical-significance assessments for this variant to ClinVar after 2014. Based on the evidence outlined above, the variant was classified as pathogenic.

Literature cited by the submitters: PubMed 16917894; PubMed 25612904; PubMed 36361501; PubMed 34629887.